The following is an entry in ClinVar:

ClinVar aggregate classification (germline): Uncertain significance (1 of 4 stars; one submission).

Conditions:
Desmin-related myofibrillar myopathy (MFM1). Also called: Desminopathy; Desmin related myopathy (former name); Desmin storage myopathy (former name); Myofibrillar myopathy 1; MYOFIBRILLAR MYOPATHY WITH ARRHYTHMOGENIC RIGHT VENTRICULAR CARDIOMYOPATHY; DESMIN-RELATED MYOPATHY WITH ARRHYTHMOGENIC RIGHT VENTRICULAR CARDIOMYOPATHY. Identifiers: Orphanet 363543, Orphanet 98909, MedGen C1832370, MONDO:0011076, OMIM 601419.

Submission:

Labcorp Genetics (formerly Invitae), Labcorp
Classification: Uncertain significance for Desmin-related myofibrillar myopathy. Last evaluated: 2021-08-26. Review status: criteria provided, single submitter. Criteria: Invitae Variant Classification Sherloc (09022015). Collection method: clinical testing. Allele origin: germline.
Comment: This variant has not been reported in the literature in individuals affected with DES-related conditions. In summary, the available evidence is currently insufficient to determine the role of this variant in disease. Therefore, it has been classified as a Variant of Uncertain Significance. This variant disrupts the p.Thr442 amino acid residue in DES. Other variant(s) that disrupt this residue have been determined to be pathogenic (PMID: 17221859, 18653338, 21262226, 22153487, 22215463). This suggests that this residue is clinically significant, and that variants that disrupt this residue are likely to be disease-causing. Algorithms developed to predict the effect of missense changes on protein structure and function are either unavailable or do not agree on the potential impact of this missense change (SIFT: "Deleterious"; PolyPhen-2: "Benign"; Align-GVGD: "Class C0"). This variant is not present in population databases (ExAC no frequency). This sequence change replaces threonine with proline at codon 442 of the DES protein (p.Thr442Pro). The threonine residue is moderately conserved and there is a small physicochemical difference between threonine and proline.

Literature cited by the submitters: PubMed 17221859; PubMed 18653338; PubMed 21262226; PubMed 22153487; PubMed 22215463.

NM_001927.4(DES):c.1324A>C (p.Thr442Pro)

Gene: DES (desmin; plus strand). Cytogenetic location: 2q35.
Variant type: single nucleotide variant.
Coding change: c.1324A>C on transcript NM_001927.4 (MANE Select); coding-DNA position 1324, A replaced by C.
Protein change: p.Thr442Pro; replaces threonine 442 with proline.
Molecular consequence: missense variant.
Genome position (GRCh38, 1-based): chr2:219,425,698, A>C. VCF-style: chr2-219425698-A-C. GRCh37 (hg19) VCF-style: chr2-220290420-A-C.
Other names: c.1255A>C, p.Thr419Pro (NM_001382710.1); c.1303A>C, p.Thr435Pro (NM_001382711.1); c.1324A>C, p.Thr442Pro (NM_001382712.1); c.1321A>C, p.Thr441Pro (NM_001382708.1); c.892A>C, p.Thr298Pro (NM_001382709.1); c.1054A>C, p.Thr352Pro (NM_001382713.1); short protein forms T441P, T442P, T298P, T435P, T419P, T352P.
Identifiers: ClinVar variation 1377711 (VCV001377711.6), dbSNP rs794728995, ClinGen allele CA350698508.